The following is an entry in ClinVar:

NM_001347721.2(DYRK1A):c.1644+9G>A

Gene: DYRK1A (dual specificity tyrosine phosphorylation regulated kinase 1A; plus strand). Cytogenetic location: 21q22.13.
Variant type: single nucleotide variant.
Coding change: c.1644+9G>A on transcript NM_001347721.2 (MANE Select); 9 bases into the intron after coding-DNA position 1644, G replaced by A.
Molecular consequence: intron variant. On other transcripts: synonymous variant (1).
Genome position (GRCh38, 1-based): chr21:37,506,232, G>A. VCF-style: chr21-37506232-G-A. GRCh37 (hg19) VCF-style: chr21-38878535-G-A.
Other names: c.1680G>A, p.Ser560= (NM_101395.2); c.1671+9G>A (NM_001396.5); c.1644+9G>A (NM_001347722.2, NM_130436.2); c.1557+9G>A (NM_001347723.2); c.1546+643G>A (NM_130438.2).
Identifiers: ClinVar variation 388031 (VCV000388031.36), dbSNP rs750741834, ClinGen allele CA10024030.

ClinVar aggregate classification (germline): Likely benign. Review status: criteria provided, multiple submitters, no conflicts (2 of 4 stars). 4 submissions from 4 submitters: Likely benign (4). Last evaluated 2026-01-11.

Conditions:
DYRK1A-related intellectual disability syndrome (MRD7). Also called: DYRK1A Syndrome; Intellectual developmental disorder, autosomal dominant 7. Identifiers: Orphanet 464306, MedGen C5568143, MONDO:0013578, OMIM 614104.

Allele frequency attached by ClinVar (database versions not stated): gnomAD 0.00002 and 0.00003; gnomAD exomes 0.00003 and 0.00005; ExAC 0.00004; TOPMed 0.00005.
gnomAD v4.1: 81 of 1,613,788 alleles (0.005%); highest among the groups gnomAD compares: East Asian, 0.036%; no homozygotes.

Submissions (4):

Labcorp Genetics (formerly Invitae), Labcorp
Classification: Likely benign for DYRK1A-related intellectual disability syndrome. Last evaluated: 2026-01-11. Review status: criteria provided, single submitter. Criteria: Invitae Variant Classification Sherloc (09022015). Collection method: clinical testing. Allele origin: germline.

Blueprint Genetics
Classification: Likely benign. Last evaluated: 2024-04-08. Review status: criteria provided, single submitter. Criteria: ACMG Guidelines, 2015. Collection method: clinical testing. Allele origin: germline.

CeGaT Center for Human Genetics Tuebingen
Classification: Likely benign. Last evaluated: 2022-10-01. Review status: criteria provided, single submitter. Criteria: CeGaT Center For Human Genetics Tuebingen Variant Classification Criteria Version 2. Collection method: clinical testing. Allele origin: germline. Affected: yes. Observed: 2 variant alleles.
Comment: DYRK1A: BP4, BP7

GeneDx
Classification: Likely benign. Last evaluated: 2021-01-11. Review status: criteria provided, single submitter. Criteria: GeneDx Variant Classification Process June 2021. Collection method: clinical testing. Allele origin: germline. Affected: yes.